The following is an entry in ClinVar:

ClinVar aggregate classification (germline): Uncertain significance (1 of 4 stars; one submission).

Conditions:
Wilms tumor 1 (WT1). Also called: Wilms tumor, somatic. Identifiers: Orphanet 654, MedGen CN033288, MONDO:0008679, OMIM 194070.

Submission:

Labcorp Genetics (formerly Invitae), Labcorp
Classification: Uncertain significance for Wilms tumor 1. Last evaluated: 2024-06-17. Review status: criteria provided, single submitter. Criteria: Invitae Variant Classification Sherloc (09022015). Collection method: clinical testing. Allele origin: germline.
Comment: This sequence change replaces histidine, which is basic and polar, with proline, which is neutral and non-polar, at codon 377 of the GPC3 protein (p.His377Pro). This variant is not present in population databases (gnomAD no frequency). This variant has not been reported in the literature in individuals affected with GPC3-related conditions. Advanced modeling of protein sequence and biophysical properties (such as structural, functional, and spatial information, amino acid conservation, physicochemical variation, residue mobility, and thermodynamic stability) performed at Invitae indicates that this missense variant is not expected to disrupt GPC3 protein function with a negative predictive value of 80%. In summary, the available evidence is currently insufficient to determine the role of this variant in disease. Therefore, it has been classified as a Variant of Uncertain Significance.

NM_004484.4(GPC3):c.1130A>C (p.His377Pro)

Gene: GPC3 (glypican 3; minus strand). Cytogenetic location: Xq26.2.
Variant type: single nucleotide variant.
Coding change: c.1130A>C on transcript NM_004484.4 (MANE Select); coding-DNA position 1130, A replaced by C.
Protein change: p.His377Pro; replaces histidine 377 with proline.
Molecular consequence: missense variant.
Genome position (GRCh38, 1-based): chrX:133,699,931, T>G on the plus strand (A>C on the coding strand, the complement: GPC3 is on the minus strand). VCF-style: chrX-133699931-T-G. GRCh37 (hg19) VCF-style: chrX-132833959-T-G.
Other names: c.1199A>C, p.His400Pro (NM_001164617.2); c.1082A>C, p.His361Pro (NM_001164618.2); c.968A>C, p.His323Pro (NM_001164619.2); short protein forms H323P, H400P, H361P, H377P.
Identifiers: ClinVar variation 3656809 (VCV003656809.2).
Genomic context (GRCh38, chrX:133,699,931, plus strand): 5'-ATAAAGAAAAAAGAAACCTCTCACCTTCTTCGGCTGGATAAGGTTTCTTCATGTTCTACA[T>G]GAGCAACTTTTAATACTTTCTTGTCAATAAAGAGATCTTCAGGATAATAAGCAGATCTAT-3'
Protein context (NP_004475.1, residues 367-387): FIDKKVLKVA[His377Pro]VEHEETLSSR